The following is an entry in ClinVar:

NM_007294.4(BRCA1):c.4873_4885del (p.Tyr1625fs)

Gene: BRCA1 (BRCA1 DNA repair associated; minus strand). Cytogenetic location: 17q21.31.
Variant type: Deletion.
Coding change: c.4873_4885del on transcript NM_007294.4 (MANE Select); coding-DNA positions 4873 to 4885, 13 bases deleted (TATAATGCAATGG).
Protein change: p.Tyr1625fs; shifts the reading frame from tyrosine 1625.
Molecular consequence: frameshift variant. On other transcripts: non-coding transcript variant (1).
Genome position (GRCh38, 1-based): chr17:43,071,029-43,071,041, CCATTGCATTATA deleted on the plus strand (TATAATGCAATGG on the coding strand, the reverse complement: BRCA1 is on the minus strand); deleting any 13 consecutive bases within chr17:43,071,029-43,071,043 gives the same sequence; the c. name uses the placement nearest the transcript's 3' end. VCF-style (leftmost placement, unchanged base first): chr17-43071028-TCCATTGCATTATA-T. GRCh37 (hg19) VCF-style: chr17-41223045-TCCATTGCATTATA-T.
Other names: 4992del13; c.4873_4885delTATAATGCAATGG (NM_007294.3); c.4732_4744del, p.Tyr1578fs (NM_007297.4); c.1559_1571delGGTATAATGCAAT, p.Tyr521Lysfs (NM_007298.4, NM_007304.2, NM_001407979.1 and 12 more transcripts); c.1561_1573del, p.Tyr521fs (NM_007299.4); c.4936_4948del, p.Tyr1646fs (NM_007300.4); c.4745_4757delGGTATAATGCAAT, p.Tyr1583Lysfs (NM_001407672.1, NM_001407673.1, NM_001407674.1 and 11 more transcripts); c.4742_4754delGGTATAATGCAAT, p.Tyr1582Lysfs (NM_001407681.1, NM_001407682.1, NM_001407683.1 and 6 more transcripts); and 75 more; short protein forms Y1578fs, Y1646fs, Y1625fs, Y521fs.
Identifiers: ClinVar variation 55305 (VCV000055305.7), dbSNP rs397509201, ClinGen allele CA003059.

ClinVar aggregate classification (germline): Pathogenic. Review status: reviewed by expert panel (3 of 4 stars). 3 submissions from 3 submitters: Pathogenic (1). 2 of the submissions do not count toward it. Last evaluated 2016-10-18.

Conditions:
Breast-ovarian cancer, familial, susceptibility to, 1 (BROVCA1). Also called: BRCA1 Hereditary Breast and Ovarian Cancer; OVARIAN CANCER, SUSCEPTIBILITY TO. Identifiers: Orphanet 145, MedGen C2676676, MONDO:0011450, OMIM 604370. Disease mechanism: loss of function.
Hereditary breast ovarian cancer syndrome. Also called: BRCA1- and BRCA2-Associated Hereditary Breast and Ovarian Cancer; Hereditary breast and ovarian cancer syndrome; Hereditary breast and ovarian cancer syndrome (HBOC); Breast and ovarian cancer; Hereditary breast and/or ovarian cancer syndrome; Hereditary breast and ovarian cancer. Identifiers: Orphanet 145, MedGen C0677776, MeSH D061325, MONDO:0003582. Disease mechanism: loss of function.

Submissions (3):

Evidence-based Network for the Interpretation of Germline Mutant Alleles (ENIGMA)
Classification: Pathogenic for Breast-ovarian cancer, familial, susceptibility to, 1. Last evaluated: 2016-10-18. Review status: reviewed by expert panel. Criteria: ENIGMA BRCA1/2 Classification Criteria (2015). Collection method: curation. Allele origin: germline.
Comment: Variant allele predicted to encode a truncated non-functional protein.

Consortium of Investigators of Modifiers of BRCA1/2 (CIMBA), c/o University of Cambridge
Classification: Pathogenic for Breast-ovarian cancer, familial, susceptibility to, 1. Last evaluated: 2015-10-02. Review status: criteria provided, single submitter. Criteria: CIMBA Mutation Classification guidelines May 2016. Collection method: clinical testing. Allele origin: germline. Not counted in ClinVar's aggregate classification.

Research Molecular Genetics Laboratory, Women's College Hospital, University of Toronto
Classification: Pathogenic for Hereditary breast ovarian cancer syndrome. Last evaluated: 2014-01-31. Review status: no assertion criteria provided. Collection method: research. Allele origin: germline. Affected: yes. Study: The Canadian Open Genetics Repository (COGR). Not counted in ClinVar's aggregate classification.